The following is an entry in ClinVar:

ClinVar aggregate classification (germline): Uncertain significance (1 of 4 stars; one submission).

Allele frequency attached by ClinVar (database versions not stated): ExAC 0.00001.
gnomAD v4.1: 1 of 1,613,094 alleles (0.000062%); highest among the groups gnomAD compares: Admixed American, 0.0017%; no homozygotes.

Submission:

Labcorp Genetics (formerly Invitae), Labcorp
Classification: Uncertain significance. Last evaluated: 2023-10-24. Review status: criteria provided, single submitter. Criteria: Invitae Variant Classification Sherloc (09022015). Collection method: clinical testing. Allele origin: germline.
Comment: This sequence change replaces serine, which is neutral and polar, with arginine, which is basic and polar, at codon 562 of the OCA2 protein (p.Ser562Arg). This variant is present in population databases (rs757332596, gnomAD 0.003%). This variant has not been reported in the literature in individuals affected with OCA2-related conditions. Advanced modeling of protein sequence and biophysical properties (such as structural, functional, and spatial information, amino acid conservation, physicochemical variation, residue mobility, and thermodynamic stability) performed at Invitae indicates that this missense variant is not expected to disrupt OCA2 protein function with a negative predictive value of 80%. In summary, the available evidence is currently insufficient to determine the role of this variant in disease. Therefore, it has been classified as a Variant of Uncertain Significance.

NM_000275.3(OCA2):c.1684A>C (p.Ser562Arg)

Gene: OCA2 (OCA2 melanosomal transmembrane protein; minus strand). Cytogenetic location: 15q13.1.
Variant type: single nucleotide variant.
Coding change: c.1684A>C on transcript NM_000275.3 (MANE Select); coding-DNA position 1684, A replaced by C.
Protein change: p.Ser562Arg; replaces serine 562 with arginine.
Molecular consequence: missense variant.
Genome position (GRCh38, 1-based): chr15:27,957,688, T>G on the plus strand (A>C on the coding strand, the complement: OCA2 is on the minus strand). VCF-style: chr15-27957688-T-G. GRCh37 (hg19) VCF-style: chr15-28202834-T-G.
Other names: c.1612A>C, p.Ser538Arg (NM_001300984.2); short protein forms S538R, S562R.
Identifiers: ClinVar variation 2790876 (VCV002790876.3), dbSNP rs757332596, ClinGen allele CA7438945.